The following is an entry in ClinVar:

NM_000051.4(ATM):c.5312_5313delinsC (p.Arg1771fs)

Gene: ATM (ATM serine/threonine kinase; plus strand). Cytogenetic location: 11q22.3.
Variant type: Indel.
Coding change: c.5312_5313delinsC on transcript NM_000051.4 (MANE Select); coding-DNA positions 5312 to 5313, GA replaced by C.
Protein change: p.Arg1771fs; shifts the reading frame from arginine 1771.
Molecular consequence: frameshift variant.
Genome position (GRCh38, 1-based): chr11:108,301,782-108,301,783, GA replaced by C. VCF-style: chr11-108301782-GA-C. GRCh37 (hg19) VCF-style: chr11-108172509-GA-C.
Other names: c.5312_5313delinsC, p.Arg1771fs (NM_001351834.2); short protein forms R1771fs.
Identifiers: ClinVar variation 2573313 (VCV002573313.2), dbSNP rs2546974330, ClinGen allele CA2580615030.

ClinVar aggregate classification (germline): Pathogenic. Review status: criteria provided, multiple submitters, no conflicts (2 of 4 stars). 2 submissions from 2 submitters: Pathogenic (2). Last evaluated 2025-11-04.

Conditions:
Hereditary cancer-predisposing syndrome. Also called: Hereditary neoplastic syndrome; Hereditary Cancer Syndrome; Neoplastic Syndromes, Hereditary; Tumor predisposition. Identifiers: Orphanet 140162, MedGen C0027672, MeSH D009386, MONDO:0015356.
Familial cancer of breast. Also called: hereditary breast carcinoma; Hereditary breast cancer; BREAST CANCER, FAMILIAL. Identifiers: Orphanet 227535, MedGen C0346153, MONDO:0016419, OMIM 114480. Disease mechanism: loss of function.

Submissions (2):

Ambry Genetics
Classification: Pathogenic for Hereditary cancer-predisposing syndrome. Last evaluated: 2025-11-04. Review status: criteria provided, single submitter. Criteria: Ambry Variant Classification Scheme 2023. Collection method: clinical testing. Allele origin: germline.
Comment: The c.5312_5313delGAinsC pathogenic mutation, located in coding exon 34 of the ATM gene, results from the deletion of two nucleotides and insertion of one nucleotide causing a translational frameshift with a predicted alternate stop codon (p.R1771Tfs*5). This variant is considered to be rare based on population cohorts in the Genome Aggregation Database (gnomAD). This alteration is expected to result in loss of function by premature protein truncation or nonsense-mediated mRNA decay. As such, this alteration is interpreted as a disease-causing mutation.

Myriad Genetics, Inc.
Classification: Pathogenic for Familial cancer of breast. Last evaluated: 2023-03-06. Review status: criteria provided, single submitter. Criteria: Myriad Autosomal Dominant, Autosomal Recessive and X-Linked Classification Criteria (2023). Collection method: clinical testing. Allele origin: unknown.
Comment: This variant is considered pathogenic. This variant creates a frameshift predicted to result in premature protein truncation.